The following is an entry in ClinVar:

NM_000038.6(APC):c.104C>G (p.Thr35Arg)

Gene: APC (APC regulator of Wnt signaling pathway; plus strand). Cytogenetic location: 5q22.2.
Variant type: single nucleotide variant.
Coding change: c.104C>G on transcript NM_000038.6 (MANE Select); coding-DNA position 104, C replaced by G.
Protein change: p.Thr35Arg; replaces threonine 35 with arginine.
Molecular consequence: missense variant. On other transcripts: 5 prime UTR variant (1), intron variant (8).
Genome position (GRCh38, 1-based): chr5:112,754,994, C>G. VCF-style: chr5-112754994-C-G. GRCh37 (hg19) VCF-style: chr5-112090691-C-G.
Other names: c.104C>G, p.Thr35Arg (NM_001127510.3, NM_001354895.2, NM_001354896.2 and 16 more transcripts); c.-932C>G (NM_001354906.2, NM_001407470.1, NM_001407471.1 and 1 more transcripts); c.166-11332C>G (NM_001354897.2, NM_001354902.2, NM_001127511.3); c.61-11332C>G (NM_001354898.2, NM_001354904.2); c.-42-11332C>G (NM_001354900.2, NM_001354901.2, NM_001354905.2); short protein forms T35R.
Identifiers: ClinVar variation 2011565 (VCV002011565.4), dbSNP rs1581122062, ClinGen allele CA16021569.

ClinVar aggregate classification (germline): Uncertain significance (1 of 4 stars; one submission).

Conditions:
Familial adenomatous polyposis 1 (FAP1). Also called: FAMILIAL ADENOMATOUS POLYPOSIS 1, ATTENUATED; POLYPOSIS, ADENOMATOUS INTESTINAL. Identifiers: MedGen C2713442, MONDO:0021056, OMIM 175100. Disease mechanism: loss of function.

Submission:

Labcorp Genetics (formerly Invitae), Labcorp
Classification: Uncertain significance for Familial adenomatous polyposis 1. Last evaluated: 2023-05-22. Review status: criteria provided, single submitter. Criteria: Invitae Variant Classification Sherloc (09022015). Collection method: clinical testing. Allele origin: germline.
Comment: This sequence change replaces threonine, which is neutral and polar, with arginine, which is basic and polar, at codon 35 of the APC protein (p.Thr35Arg). This variant is not present in population databases (gnomAD no frequency). In summary, the available evidence is currently insufficient to determine the role of this variant in disease. Therefore, it has been classified as a Variant of Uncertain Significance. Advanced modeling of protein sequence and biophysical properties (such as structural, functional, and spatial information, amino acid conservation, physicochemical variation, residue mobility, and thermodynamic stability) performed at Invitae indicates that this missense variant is not expected to disrupt APC protein function. ClinVar contains an entry for this variant (Variation ID: 2011565). This variant has not been reported in the literature in individuals affected with APC-related conditions.